The following is an entry in ClinVar:

ClinVar aggregate classification (germline): Uncertain significance. Review status: criteria provided, multiple submitters, no conflicts (2 of 4 stars). 2 submissions from 2 submitters: Uncertain significance (2). Last evaluated 2024-05-30.

Allele frequency attached by ClinVar (database versions not stated): gnomAD exomes below 0.00001; gnomAD 0.00001; TOPMed 0.00001.

Submissions (2):

Ambry Genetics
Classification: Uncertain significance. Last evaluated: 2024-05-30. Review status: criteria provided, single submitter. Criteria: Ambry Variant Classification Scheme 2023. Collection method: clinical testing. Allele origin: germline.

Labcorp Genetics (formerly Invitae), Labcorp
Classification: Uncertain significance. Last evaluated: 2022-10-04. Review status: criteria provided, single submitter. Criteria: Invitae Variant Classification Sherloc (09022015). Collection method: clinical testing. Allele origin: germline.
Comment: In summary, the available evidence is currently insufficient to determine the role of this variant in disease. Therefore, it has been classified as a Variant of Uncertain Significance. Algorithms developed to predict the effect of missense changes on protein structure and function (SIFT, PolyPhen-2, Align-GVGD) all suggest that this variant is likely to be tolerated. ClinVar contains an entry for this variant (Variation ID: 1496857). This missense change has been observed in individual(s) with clinical features of cone-rod dystrophy (Invitae). This variant is not present in population databases (gnomAD no frequency). This sequence change replaces glycine, which is neutral and non-polar, with glutamic acid, which is acidic and polar, at codon 141 of the RAX2 protein (p.Gly141Glu).

NM_001319074.4(RAX2):c.422G>A (p.Gly141Glu)

Gene: RAX2 (retina and anterior neural fold homeobox 2; minus strand). Cytogenetic location: 19p13.3.
Variant type: single nucleotide variant.
Coding change: c.422G>A on transcript NM_001319074.4 (MANE Select); coding-DNA position 422, G replaced by A.
Protein change: p.Gly141Glu; replaces glycine 141 with glutamic acid.
Molecular consequence: missense variant.
Genome position (GRCh38, 1-based): chr19:3,770,754, C>T on the plus strand (G>A on the coding strand, the complement: RAX2 is on the minus strand). VCF-style: chr19-3770754-C-T. GRCh37 (hg19) VCF-style: chr19-3770752-C-T.
Other names: c.422G>A (NM_032753.3); c.422G>A, p.Gly141Glu (NM_032753.4); short protein forms G141E.
Identifiers: ClinVar variation 1496857 (VCV001496857.9), dbSNP rs1391061686, ClinGen allele CA403374457.